The following is an entry in ClinVar:

ClinVar aggregate classification (germline): Uncertain significance (1 of 4 stars; one submission).

Conditions:
GREB1L-related disorder. Also called: GREB1L-related condition.

gnomAD v4.1: 9 of 1,551,620 alleles (0.00058%); highest among the groups gnomAD compares: Non-Finnish European, 0.00078%; no homozygotes.

Submission:

PreventionGenetics, part of Exact Sciences
Classification: Uncertain significance for GREB1L-related condition. Last evaluated: 2026-07-06. Review status: criteria provided, single submitter. Criteria: ACMG Guidelines, 2015. Collection method: clinical testing. Allele origin: germline.
Comment: The GREB1L c.3296A>C variant is predicted to result in the amino acid substitution p.Gln1099Pro. To our knowledge, this variant has not been reported in the literature. This variant is reported in 0.0026% of alleles in individuals of European (Non-Finnish) descent in gnomAD. At this time, the clinical significance of this variant is uncertain due to the absence of conclusive functional and genetic evidence.

NM_001142966.3(GREB1L):c.3296A>C (p.Gln1099Pro)

Gene: GREB1L (GREB1 like retinoic acid receptor coactivator; plus strand). Cytogenetic location: 18q11.1.
Variant type: single nucleotide variant.
Coding change: c.3296A>C on transcript NM_001142966.3 (MANE Select); coding-DNA position 3296, A replaced by C.
Protein change: p.Gln1099Pro; replaces glutamine 1099 with proline.
Molecular consequence: missense variant.
Genome position (GRCh38, 1-based): chr18:21,496,603, A>C. VCF-style: chr18-21496603-A-C. GRCh37 (hg19) VCF-style: chr18-19076564-A-C.
Other names: c.3425A>C, p.Gln1142Pro (NM_001410867.1); c.2969A>C, p.Gln990Pro (NM_001410868.1); short protein forms Q1099P, Q1142P, Q990P.
Identifiers: ClinVar variation 4989084 (VCV004989084.1).